The following is an entry in ClinVar:

NM_001845.6(COL4A1):c.1495G>A (p.Asp499Asn)

Gene: COL4A1 (collagen type IV alpha 1 chain; minus strand). Cytogenetic location: 13q34.
Variant type: single nucleotide variant.
Coding change: c.1495G>A on transcript NM_001845.6 (MANE Select); coding-DNA position 1495, G replaced by A.
Protein change: p.Asp499Asn; replaces aspartic acid 499 with asparagine.
Molecular consequence: missense variant.
Genome position (GRCh38, 1-based): chr13:110,192,255, C>T on the plus strand (G>A on the coding strand, the complement: COL4A1 is on the minus strand). VCF-style: chr13-110192255-C-T. GRCh37 (hg19) VCF-style: chr13-110844602-C-T.
Other names: c.1495G>A (NM_001845.4); c.1495G>A, p.Asp499Asn (NM_001303110.2); short protein forms D499N.
Identifiers: ClinVar variation 807045 (VCV000807045.49), dbSNP rs773778552, ClinGen allele CA7047905.

ClinVar aggregate classification (germline): Uncertain significance. Review status: criteria provided, multiple submitters, no conflicts (2 of 4 stars). 5 submissions from 5 submitters: Uncertain significance (5). Last evaluated 2025-11-03.

Conditions:
Autosomal dominant familial hematuria-retinal arteriolar tortuosity-contractures syndrome. Also called: Angiopathy, hereditary, with nephropathy, aneurysms, and muscle cramps; Hereditary Angiopathy with Nephropathy, Aneurysms, and Muscle Cramps (HANAC) Syndrome. Identifiers: Orphanet 73229, MedGen C2673195, MONDO:0012726, OMIM 611773.
Brain small vessel disease 1 with or without ocular anomalies (BSVD1). Also called: GOULD SYNDROME 1; Brain small vessel disease with or without ocular anomalies; BRAIN SMALL VESSEL DISEASE WITH HEMORRHAGE; PORENCEPHALY, TYPE 1, AUTOSOMAL DOMINANT. Identifiers: Orphanet 2940, Orphanet 36383, Orphanet 99810, MedGen C4755307, MONDO:0008289, OMIM 175780.
Retinal arterial tortuosity. Also called: Retinal arteries, tortuosity of; RETINAL HEMORRHAGE WITH VASCULAR TORTUOSITY. Identifiers: Orphanet 75326, MedGen C0423401, MONDO:0008373, OMIM 180000, HP:0000631.
Microangiopathy and leukoencephalopathy, pontine, autosomal dominant. Also called: Pontine autosomal dominant microangiopathy with leukoencephalopathy; DEMENTIA, HEREDITARY MULTI-INFARCT, SWEDISH TYPE. Identifiers: Orphanet 477749, MedGen C5231411, MONDO:0032814, OMIM 618564.
Hemorrhage, intracerebral, susceptibility to (ICH). Also called: Stroke, hemorrhagic, susceptibility to. Identifiers: MedGen C3281105, MONDO:0100533, OMIM 614519.
Inborn genetic diseases. Identifiers: MedGen C0950123, MeSH D030342.

Allele frequency attached by ClinVar (database versions not stated): gnomAD exomes below 0.00001 and 0.00001; ExAC 0.00001; gnomAD 0.00001 and 0.00002; TOPMed 0.00002.
gnomAD v4.1: 13 of 1,614,102 alleles (0.00081%); highest among the groups gnomAD compares: Admixed American, 0.0017%; no homozygotes.

Submissions (5):

Labcorp Genetics (formerly Invitae), Labcorp
Classification: Uncertain significance. Last evaluated: 2025-11-03. Review status: criteria provided, single submitter. Criteria: Invitae Variant Classification Sherloc (09022015). Collection method: clinical testing. Allele origin: germline.
Comment: This sequence change replaces aspartic acid, which is acidic and polar, with asparagine, which is neutral and polar, at codon 499 of the COL4A1 protein (p.Asp499Asn). This variant is present in population databases (rs773778552, gnomAD 0.0009%). This variant has not been reported in the literature in individuals affected with COL4A1-related conditions. ClinVar contains an entry for this variant (Variation ID: 807045). Invitae Evidence Modeling of protein sequence and biophysical properties (such as structural, functional, and spatial information, amino acid conservation, physicochemical variation, residue mobility, and thermodynamic stability) indicates that this missense variant is not expected to disrupt COL4A1 protein function with a negative predictive value of 95%. In summary, the available evidence is currently insufficient to determine the role of this variant in disease. Therefore, it has been classified as a Variant of Uncertain Significance.

Ambry Genetics
Classification: Uncertain significance for Inborn genetic diseases. Last evaluated: 2025-10-02. Review status: criteria provided, single submitter. Criteria: Ambry Variant Classification Scheme 2023. Collection method: clinical testing. Allele origin: germline.

Fulgent Genetics
Classification: Uncertain significance for Brain small vessel disease 1 with or without ocular anomalies; Retinal arterial tortuosity; Autosomal dominant familial hematuria-retinal arteriolar tortuosity-contractures syndrome; Hemorrhage, intracerebral, susceptibility to; Microangiopathy and leukoencephalopathy, pontine, autosomal dominant. Last evaluated: 2022-04-17. Review status: criteria provided, single submitter. Criteria: ACMG Guidelines, 2015. Collection method: clinical testing. Allele origin: unknown.

Institute of Human Genetics, University of Leipzig Medical Center
Classification: Uncertain significance for Microangiopathy and leukoencephalopathy, pontine, autosomal dominant. Last evaluated: 2018-03-14. Review status: criteria provided, single submitter. Criteria: ACMG Guidelines, 2015. Collection method: clinical testing. Allele origin: germline. Affected: yes. Observed: 1 variant allele.

CeGaT Center for Human Genetics Tuebingen
Classification: Uncertain significance. Last evaluated: 2017-05-01. Review status: criteria provided, single submitter. Criteria: CeGaT Center For Human Genetics Tuebingen Variant Classification Criteria Version 2. Collection method: clinical testing. Allele origin: germline. Affected: yes. Observed: 1 variant allele.